The following is an entry in ClinVar:

NM_014974.3(DIP2C):c.661G>C (p.Val221Leu)

Gene: DIP2C (DIP2 acetate--CoA ligase C (putative); minus strand). Cytogenetic location: 10p15.3.
Variant type: single nucleotide variant.
Coding change: c.661G>C on transcript NM_014974.3 (MANE Select); coding-DNA position 661, G replaced by C.
Protein change: p.Val221Leu; replaces valine 221 with leucine.
Molecular consequence: missense variant.
Genome position (GRCh38, 1-based): chr10:419,143, C>G on the plus strand (G>C on the coding strand, the complement: DIP2C is on the minus strand). VCF-style: chr10-419143-C-G. GRCh37 (hg19) VCF-style: chr10-465083-C-G.
Other names: short protein forms V221L.
Identifiers: ClinVar variation 3502056 (VCV003502056.3).

ClinVar aggregate classification (germline): Conflicting classifications of pathogenicity. Review status: criteria provided, conflicting classifications (1 of 4 stars). 2 submissions from 2 submitters: Uncertain significance (1); Likely benign (1). Last evaluated 2025-12-25.

Conditions:
Inborn genetic diseases. Identifiers: MedGen C0950123, MeSH D030342.

gnomAD v4.1: 46 of 1,614,126 alleles (0.0028%); highest among the groups gnomAD compares: African/African-American, 0.059%; 1 homozygote.

Submissions (2):

Labcorp Genetics (formerly Invitae), Labcorp
Classification: Uncertain significance. Last evaluated: 2025-12-25. Review status: criteria provided, single submitter. Criteria: Invitae Variant Classification Sherloc (09022015). Collection method: clinical testing. Allele origin: germline.
Comment: This sequence change replaces valine, which is neutral and non-polar, with leucine, which is neutral and non-polar, at codon 221 of the DIP2C protein (p.Val221Leu). This variant is present in population databases (rs376449380, gnomAD 0.04%). This variant has not been reported in the literature in individuals affected with DIP2C-related conditions. ClinVar contains an entry for this variant (Variation ID: 3502056). An algorithm developed to predict the effect of missense changes on protein structure and function (PolyPhen-2) suggests that this variant is likely to be tolerated. In summary, the available evidence is currently insufficient to determine the role of this variant in disease. Therefore, it has been classified as a Variant of Uncertain Significance.

Ambry Genetics
Classification: Likely benign for Inborn genetic diseases. Last evaluated: 2024-07-10. Review status: criteria provided, single submitter. Criteria: Ambry Variant Classification Scheme 2023. Collection method: clinical testing. Allele origin: germline.